The following is an entry in ClinVar:

NM_001100.4(ACTA1):c.280A>G (p.Asn94Asp)

Gene: ACTA1 (actin alpha 1, skeletal muscle; minus strand). Cytogenetic location: 1q42.13.
Variant type: single nucleotide variant.
Coding change: c.280A>G on transcript NM_001100.4 (MANE Select); coding-DNA position 280, A replaced by G.
Protein change: p.Asn94Asp; replaces asparagine 94 with aspartic acid.
Molecular consequence: missense variant.
Genome position (GRCh38, 1-based): chr1:229,432,730, T>C on the plus strand (A>G on the coding strand, the complement: ACTA1 is on the minus strand). VCF-style: chr1-229432730-T-C. GRCh37 (hg19) VCF-style: chr1-229568477-T-C.
Other names: short protein forms N94D.
Identifiers: ClinVar variation 4687909 (VCV004687909.1).
Genomic context (GRCh38, chr1:229,432,730, plus strand): 5'-GATTGAGGGGGGCCTCGGTGAGCAGGGTGGGGTGCTCCTCGGGAGCCACGCGAAGCTCGT[T>C]GTAGAAGGTGTGGTGCCAGATCTTCTCCATGTCATCCCAGTTGGTGATGATGCCGTGCTC-3'
Protein context (NP_001091.1, residues 84-104): MEKIWHHTFY[Asn94Asp]ELRVAPEEHP

ClinVar aggregate classification (germline): Likely pathogenic (1 of 4 stars; one submission).

Conditions:
Congenital myopathy 2c, severe infantile, autosomal dominant (CMYO2C). Identifiers: MedGen C5830333, MONDO:0859523, OMIM 620278.
Actin accumulation myopathy (CMYO2A). Also called: CONGENITAL MYOPATHY 2A, TYPICAL, AUTOSOMAL DOMINANT; Myopathy, actin, congenital, with cores; Nemaline myopathy 3, with intranuclear rods; Myopathy, actin, congenital, with excess of thin myofilaments; Nemaline myopathy type 3. Identifiers: Orphanet 98904, MedGen C3711389, MONDO:0008070, OMIM 161800.

Submission:

Human Genetics Bochum, Ruhr University Bochum
Classification: Likely pathogenic for Actin accumulation myopathy; Congenital myopathy 2c, severe infantile, autosomal dominant. Last evaluated: 2025-03-27. Review status: criteria provided, single submitter. Criteria: ACMG Guidelines, 2015. Collection method: clinical testing. Allele origin: germline. Affected: yes.
Comment: ACMG criteria used to clasify this variant: PM1, PM5, PP3_MOD, PM2_SUP, PP2